The following is an entry in ClinVar:

NM_014112.5(TRPS1):c.17A>G (p.Asn6Ser)

Gene: TRPS1 (transcriptional repressor GATA binding 1; minus strand). Cytogenetic location: 8q23.3.
Variant type: single nucleotide variant.
Coding change: c.17A>G on transcript NM_014112.5 (MANE Select); coding-DNA position 17, A replaced by G.
Protein change: p.Asn6Ser; replaces asparagine 6 with serine.
Molecular consequence: missense variant. On other transcripts: intron variant (2).
Genome position (GRCh38, 1-based): chr8:115,623,621, T>C on the plus strand (A>G on the coding strand, the complement: TRPS1 is on the minus strand). VCF-style: chr8-115623621-T-C. GRCh37 (hg19) VCF-style: chr8-116635848-T-C.
Other names: c.10A>G, p.Met4Val (NM_001282903.3); c.-2-3561A>G (NM_001330599.2); c.11-3561A>G (NM_001282902.3); c.17A>G (NM_014112.2); short protein forms M4V, N6S.
Identifiers: ClinVar variation 2194121 (VCV002194121.5), dbSNP rs750371449, ClinGen allele CA4852079.

ClinVar aggregate classification (germline): Uncertain significance. Review status: criteria provided, multiple submitters, no conflicts (2 of 4 stars). 2 submissions from 2 submitters: Uncertain significance (2). Last evaluated 2025-02-26.

Conditions:
Trichorhinophalangeal dysplasia type I (TRPS1). Also called: TRICHORHINOPHALANGEAL SYNDROME, TYPE I; TRPS I. Identifiers: Orphanet 77258, MedGen C0432233, MONDO:0008596, OMIM 190350.
Trichorhinophalangeal syndrome, type III (TRPS3). Also called: SUGIO-KAJII SYNDROME. Identifiers: Orphanet 77258, MedGen C1860823, OMIM 190351, MONDO:0008597.
Inborn genetic diseases. Identifiers: MedGen C0950123, MeSH D030342.

Allele frequency attached by ClinVar (database versions not stated): ExAC 0.00002; gnomAD exomes 0.00002; gnomAD 0.00003.
gnomAD v4.1: 30 of 1,609,462 alleles (0.0019%); highest among the groups gnomAD compares: East Asian, 0.0022%; no homozygotes.

Submissions (2):

Ambry Genetics
Classification: Uncertain significance for Inborn genetic diseases. Last evaluated: 2025-02-26. Review status: criteria provided, single submitter. Criteria: Ambry Variant Classification Scheme 2023. Collection method: clinical testing. Allele origin: germline.

Labcorp Genetics (formerly Invitae), Labcorp
Classification: Uncertain significance for Trichorhinophalangeal syndrome, type III; Trichorhinophalangeal dysplasia type I. Last evaluated: 2022-01-21. Review status: criteria provided, single submitter. Criteria: Invitae Variant Classification Sherloc (09022015). Collection method: clinical testing. Allele origin: germline.
Comment: In summary, the available evidence is currently insufficient to determine the role of this variant in disease. Therefore, it has been classified as a Variant of Uncertain Significance. Algorithms developed to predict the effect of missense changes on protein structure and function output the following: SIFT: "Deleterious"; PolyPhen-2: "Benign"; Align-GVGD: "Class C0". The serine amino acid residue is found in multiple mammalian species, which suggests that this missense change does not adversely affect protein function. This variant has not been reported in the literature in individuals affected with TRPS1-related conditions. This variant is present in population databases (rs750371449, gnomAD 0.006%). This sequence change replaces asparagine, which is neutral and polar, with serine, which is neutral and polar, at codon 6 of the TRPS1 protein (p.Asn6Ser).